The following is an entry in ClinVar:

NM_001846.4(COL4A2):c.838A>G (p.Ser280Gly)

Gene: COL4A2 (collagen type IV alpha 2 chain; plus strand). Cytogenetic location: 13q34.
Variant type: single nucleotide variant.
Coding change: c.838A>G on transcript NM_001846.4 (MANE Select); coding-DNA position 838, A replaced by G.
Protein change: p.Ser280Gly; replaces serine 280 with glycine.
Molecular consequence: missense variant.
Genome position (GRCh38, 1-based): chr13:110,438,014, A>G. VCF-style: chr13-110438014-A-G. GRCh37 (hg19) VCF-style: chr13-111090361-A-G.
Other names: short protein forms S280G.
Identifiers: ClinVar variation 2789434 (VCV002789434.3), dbSNP rs377155355, ClinGen allele CA7049140.
Genomic context (GRCh38, chr13:110,438,014, plus strand): 5'-ACCATCCTCAAATTAATAAGCGTTTCTTATTTTTCATATTCTTCACAGGGTGAAAAAGGC[A>G]GTGAGGGGGAACCAGGAATAAGAGTAAGTCGAGTAATGAGCATGCCCCCTCCCCTGTGGC-3'
Protein context (NP_001837.2, residues 270-290): HPDQYKGEKG[Ser280Gly]EGEPGIRGIS

ClinVar aggregate classification (germline): Uncertain significance (1 of 4 stars; one submission).

Allele frequency attached by ClinVar (database versions not stated): gnomAD exomes below 0.00001; ExAC 0.00001; gnomAD 0.00001; TOPMed 0.00001; ESP Exome Variant Server 0.00008.

Submission:

Labcorp Genetics (formerly Invitae), Labcorp
Classification: Uncertain significance. Last evaluated: 2023-06-14. Review status: criteria provided, single submitter. Criteria: Invitae Variant Classification Sherloc (09022015). Collection method: clinical testing. Allele origin: germline.
Comment: This sequence change replaces serine, which is neutral and polar, with glycine, which is neutral and non-polar, at codon 280 of the COL4A2 protein (p.Ser280Gly). The frequency data for this variant in the population databases is considered unreliable, as metrics indicate poor data quality at this position in the gnomAD database. This variant has not been reported in the literature in individuals affected with COL4A2-related conditions. Advanced modeling of protein sequence and biophysical properties (such as structural, functional, and spatial information, amino acid conservation, physicochemical variation, residue mobility, and thermodynamic stability) performed at Invitae indicates that this missense variant is not expected to disrupt COL4A2 protein function. In summary, the available evidence is currently insufficient to determine the role of this variant in disease. Therefore, it has been classified as a Variant of Uncertain Significance.